The following is an entry in ClinVar:

ClinVar aggregate classification (germline): Uncertain significance (1 of 4 stars; one submission).

Conditions:
Hereditary cancer-predisposing syndrome. Also called: Neoplastic Syndromes, Hereditary; Tumor predisposition; Hereditary Cancer Syndrome; Hereditary neoplastic syndrome. Identifiers: Orphanet 140162, MedGen C0027672, MeSH D009386, MONDO:0015356.

Submission:

Ambry Genetics
Classification: Uncertain significance for Hereditary cancer-predisposing syndrome. Last evaluated: 2021-12-11. Review status: criteria provided, single submitter. Criteria: Ambry Variant Classification Scheme 2023. Collection method: clinical testing. Allele origin: germline.
Comment: The p.S612Y variant (also known as c.1835C>A), located in coding exon 6 of the BLM gene, results from a C to A substitution at nucleotide position 1835. The serine at codon 612 is replaced by tyrosine, an amino acid with dissimilar properties. This amino acid position is conserved. In addition, this alteration is predicted to be tolerated by in silico analysis. Since supporting evidence is limited at this time, the clinical significance of this alteration remains unclear.

NM_000057.4(BLM):c.1835C>A (p.Ser612Tyr)

Gene: BLM (BLM RecQ like helicase; plus strand). Cytogenetic location: 15q26.1.
Variant type: single nucleotide variant.
Coding change: c.1835C>A on transcript NM_000057.4 (MANE Select); coding-DNA position 1835, C replaced by A.
Protein change: p.Ser612Tyr; replaces serine 612 with tyrosine.
Molecular consequence: missense variant.
Genome position (GRCh38, 1-based): chr15:90,761,208, C>A. VCF-style: chr15-90761208-C-A. GRCh37 (hg19) VCF-style: chr15-91304438-C-A.
Other names: c.1835C>A, p.Ser612Tyr (NM_001287246.2, NM_001287247.2); c.710C>A, p.Ser237Tyr (NM_001287248.2); short protein forms S237Y, S612Y.
Identifiers: ClinVar variation 1781030 (VCV001781030.2), dbSNP rs2151159103, ClinGen allele CA393843943.